The following is an entry in ClinVar:

NM_004304.5(ALK):c.134G>C (p.Ser45Thr)

Gene: ALK (ALK receptor tyrosine kinase; minus strand). Cytogenetic location: 2p23.1.
Variant type: single nucleotide variant.
Coding change: c.134G>C on transcript NM_004304.5 (MANE Select); coding-DNA position 134, G replaced by C.
Protein change: p.Ser45Thr; replaces serine 45 with threonine.
Molecular consequence: missense variant.
Genome position (GRCh38, 1-based): chr2:29,920,526, C>G on the plus strand (G>C on the coding strand, the complement: ALK is on the minus strand). VCF-style: chr2-29920526-C-G. GRCh37 (hg19) VCF-style: chr2-30143392-C-G.
Other names: c.134G>C (NM_004304.4); short protein forms S45T.
Identifiers: ClinVar variation 1354824 (VCV001354824.7), dbSNP rs2148443832, ClinGen allele CA346590635.

ClinVar aggregate classification (germline): Uncertain significance. Review status: criteria provided, multiple submitters, no conflicts (2 of 4 stars). 2 submissions from 2 submitters: Uncertain significance (2). Last evaluated 2025-04-14.

Conditions:
Hereditary cancer-predisposing syndrome. Also called: Hereditary Cancer Syndrome; Hereditary neoplastic syndrome; Tumor predisposition; Neoplastic Syndromes, Hereditary. Identifiers: Orphanet 140162, MedGen C0027672, MeSH D009386, MONDO:0015356.
Neuroblastoma, susceptibility to, 3. Also called: ALK-Related Neuroblastic Tumor Susceptibility. Identifiers: Orphanet 635, MedGen C2751681, MONDO:0013083, OMIM 613014.

gnomAD v4.1: 3 of 1,611,496 alleles (0.00019%); highest among the groups gnomAD compares: Non-Finnish European, 0.00025%; no homozygotes.

Submissions (2):

Ambry Genetics
Classification: Uncertain significance for Hereditary cancer-predisposing syndrome. Last evaluated: 2025-04-14. Review status: criteria provided, single submitter. Criteria: Ambry Variant Classification Scheme 2023. Collection method: clinical testing. Allele origin: germline.
Comment: The p.S45T variant (also known as c.134G>C), located in coding exon 1 of the ALK gene, results from a G to C substitution at nucleotide position 134. The serine at codon 45 is replaced by threonine, an amino acid with similar properties. This amino acid position is well conserved in available vertebrate species. In addition, the in silico prediction for this alteration is inconclusive. Based on the available evidence, the clinical significance of this variant remains unclear.

Labcorp Genetics (formerly Invitae), Labcorp
Classification: Uncertain significance for Neuroblastoma, susceptibility to, 3. Last evaluated: 2025-03-18. Review status: criteria provided, single submitter. Criteria: Invitae Variant Classification Sherloc (09022015). Collection method: clinical testing. Allele origin: germline.
Comment: This sequence change replaces serine, which is neutral and polar, with threonine, which is neutral and polar, at codon 45 of the ALK protein (p.Ser45Thr). This variant is not present in population databases (gnomAD no frequency). This variant has not been reported in the literature in individuals affected with ALK-related conditions. ClinVar contains an entry for this variant (Variation ID: 1354824). An algorithm developed to predict the effect of missense changes on protein structure and function (PolyPhen-2) suggests that this variant is likely to be tolerated. In summary, the available evidence is currently insufficient to determine the role of this variant in disease. Therefore, it has been classified as a Variant of Uncertain Significance.